The following is an entry in ClinVar:

ClinVar aggregate classification (germline): Likely benign. Review status: criteria provided, multiple submitters, no conflicts (2 of 4 stars). 3 submissions from 3 submitters: Likely benign (2). 1 of the submissions does not count toward it. Last evaluated 2026-02-02.

Conditions:
PCBD1-related disorder. Also called: PCBD1-related condition.
Inborn genetic diseases. Identifiers: MedGen C0950123, MeSH D030342.
Pterin-4 alpha-carbinolamine dehydratase 1 deficiency. Also called: HYPERPHENYLALANINEMIA WITH PRIMAPTERINURIA; HYPERPHENYLALANINEMIA, TETRAHYDROBIOPTERIN-DEFICIENT, DUE TO PTERIN-4-ALPHA-CARBINOLAMINE DEHYDRATASE DEFICIENCY; Hyperphenylalaninemia due to dehydratase deficiency; CADH DEFICIENCY. Identifiers: Orphanet 1578, Orphanet 238583, MedGen C1849700, MONDO:0009908, OMIM 264070.

Allele frequency attached by ClinVar (database versions not stated): ExAC 0.00024; ESP Exome Variant Server 0.00062; TOPMed 0.00074; 1000 Genomes Project 30x 0.00078; 1000 Genomes Project 0.00100; gnomAD 0.00108.

Submissions (3):

Labcorp Genetics (formerly Invitae), Labcorp
Classification: Likely benign for Pterin-4 alpha-carbinolamine dehydratase 1 deficiency. Last evaluated: 2026-02-02. Review status: criteria provided, single submitter. Criteria: Invitae Variant Classification Sherloc (09022015). Collection method: clinical testing. Allele origin: germline.

Ambry Genetics
Classification: Likely benign for Inborn genetic diseases. Last evaluated: 2021-06-02. Review status: criteria provided, single submitter. Criteria: Ambry Variant Classification Scheme 2023. Collection method: clinical testing. Allele origin: germline.

PreventionGenetics, part of Exact Sciences
Classification: Likely benign for PCBD1-related condition. Last evaluated: 2022-07-29. Review status: no assertion criteria provided. Collection method: clinical testing. Allele origin: germline. Not counted in ClinVar's aggregate classification.
Comment: This variant is classified as likely benign based on ACMG/AMP sequence variant interpretation guidelines (Richards et al. 2015 PMID: 25741868, with internal and published modifications).

NM_000281.4(PCBD1):c.263G>A (p.Arg88Gln)

Gene: PCBD1 (pterin-4 alpha-carbinolamine dehydratase 1; minus strand). Cytogenetic location: 10q22.1.
Variant type: single nucleotide variant.
Coding change: c.263G>A on transcript NM_000281.4 (MANE Select); coding-DNA position 263, G replaced by A.
Protein change: p.Arg88Gln; replaces arginine 88 with glutamine.
Molecular consequence: missense variant. On other transcripts: intron variant (1).
Genome position (GRCh38, 1-based): chr10:70,884,002, C>T on the plus strand (G>A on the coding strand, the complement: PCBD1 is on the minus strand). VCF-style: chr10-70884002-C-T. GRCh37 (hg19) VCF-style: chr10-72643759-C-T.
Other names: c.116G>A, p.Arg39Gln (NM_001289797.2); c.216+1150G>A (NM_001323004.2); c.263G>A (NM_000281.2); short protein forms R88Q, R39Q.
Identifiers: ClinVar variation 242621 (VCV000242621.13), dbSNP rs115117837, ClinGen allele CA049137.